The following is an entry in ClinVar:

NM_001365951.3(KIF1B):c.3968C>T (p.Pro1323Leu)

Gene: KIF1B (kinesin family member 1B; plus strand). Cytogenetic location: 1p36.22.
Variant type: single nucleotide variant.
Coding change: c.3968C>T on transcript NM_001365951.3 (MANE Select); coding-DNA position 3968, C replaced by T.
Protein change: p.Pro1323Leu; replaces proline 1323 with leucine.
Molecular consequence: missense variant.
Genome position (GRCh38, 1-based): chr1:10,352,649, C>T. VCF-style: chr1-10352649-C-T. GRCh37 (hg19) VCF-style: chr1-10412707-C-T.
Other names: c.3968C>T, p.Pro1323Leu (NM_001365952.1); c.3830C>T, p.Pro1277Leu (NM_015074.3); short protein forms P1277L, P1323L.
Identifiers: ClinVar variation 942651 (VCV000942651.9), dbSNP rs1279580508, ClinGen allele CA338344341.

ClinVar aggregate classification (germline): Uncertain significance. Review status: criteria provided, multiple submitters, no conflicts (2 of 4 stars). 2 submissions from 2 submitters: Uncertain significance (2). Last evaluated 2025-12-19.

Conditions:
Charcot-Marie-Tooth disease type 2. Also called: Charcot-Marie-Tooth type 2. Identifiers: Orphanet 64746, MedGen C0270914, MONDO:0018993.

Allele frequency attached by ClinVar (database versions not stated): gnomAD exomes below 0.00001; TOPMed 0.00001.
gnomAD v4.1: 2 of 1,613,752 alleles (0.00012%); highest among the groups gnomAD compares: East Asian, 0.0022%; no homozygotes.

Submissions (2):

Labcorp Genetics (formerly Invitae), Labcorp
Classification: Uncertain significance for Charcot-Marie-Tooth disease type 2. Last evaluated: 2025-12-19. Review status: criteria provided, single submitter. Criteria: Invitae Variant Classification Sherloc (09022015). Collection method: clinical testing. Allele origin: germline.
Comment: This sequence change replaces proline, which is neutral and non-polar, with leucine, which is neutral and non-polar, at codon 1277 of the KIF1B protein (p.Pro1277Leu). This variant is not present in population databases (gnomAD no frequency). This variant has not been reported in the literature in individuals affected with KIF1B-related conditions. ClinVar contains an entry for this variant (Variation ID: 942651). An algorithm developed to predict the effect of missense changes on protein structure and function (PolyPhen-2) suggests that this variant is likely to be tolerated. In summary, the available evidence is currently insufficient to determine the role of this variant in disease. Therefore, it has been classified as a Variant of Uncertain Significance.

Ambry Genetics
Classification: Uncertain significance. Last evaluated: 2023-07-13. Review status: criteria provided, single submitter. Criteria: Ambry Variant Classification Scheme 2023. Collection method: clinical testing. Allele origin: germline.
Comment: The p.P1277L variant (also known as c.3830C>T), located in coding exon 35 of the KIF1B gene, results from a C to T substitution at nucleotide position 3830. The proline at codon 1277 is replaced by leucine, an amino acid with similar properties. This amino acid position is conserved. In addition, this alteration is predicted to be tolerated by in silico analysis. Since supporting evidence is limited at this time, the clinical significance of this alteration remains unclear.